The following is an entry in ClinVar:

NM_000755.5(CRAT):c.1717G>A (p.Gly573Ser)

Gene: CRAT (carnitine O-acetyltransferase; minus strand). Cytogenetic location: 9q34.11.
Variant type: single nucleotide variant.
Coding change: c.1717G>A on transcript NM_000755.5 (MANE Select); coding-DNA position 1717, G replaced by A.
Protein change: p.Gly573Ser; replaces glycine 573 with serine.
Molecular consequence: missense variant.
Genome position (GRCh38, 1-based): chr9:129,095,561, C>T on the plus strand (G>A on the coding strand, the complement: CRAT is on the minus strand). VCF-style: chr9-129095561-C-T. GRCh37 (hg19) VCF-style: chr9-131857840-C-T.
Other names: c.1654G>A, p.Gly552Ser (NM_001257363.3, NM_004003.4); c.1720G>A, p.Gly574Ser (NM_001346546.2); c.1645G>A, p.Gly549Ser (NM_001346547.2); c.1582G>A, p.Gly528Ser (NM_001346548.2); c.1597G>A, p.Gly533Ser (NM_001346549.2); short protein forms G533S, G549S, G552S, G528S, G573S, G574S.
Identifiers: ClinVar variation 1518154 (VCV001518154.6), dbSNP rs201468277, ClinGen allele CA5275265.

ClinVar aggregate classification (germline): Uncertain significance (1 of 4 stars; one submission).

Allele frequency attached by ClinVar (database versions not stated): TOPMed 0.00010; gnomAD exomes 0.00016 and 0.00022; ExAC 0.00019; gnomAD 0.00030.
gnomAD v4.1: 273 of 1,613,242 alleles (0.017%); highest among the groups gnomAD compares: Non-Finnish European, 0.014%; 1 homozygote.

Submission:

Labcorp Genetics (formerly Invitae), Labcorp
Classification: Uncertain significance. Last evaluated: 2025-12-02. Review status: criteria provided, single submitter. Criteria: Invitae Variant Classification Sherloc (09022015). Collection method: clinical testing. Allele origin: germline.
Comment: This sequence change replaces glycine, which is neutral and non-polar, with serine, which is neutral and polar, at codon 573 of the CRAT protein (p.Gly573Ser). This variant is present in population databases (rs201468277, gnomAD 0.1%), and has an allele count higher than expected for a pathogenic variant. This variant has not been reported in the literature in individuals affected with CRAT-related conditions. ClinVar contains an entry for this variant (Variation ID: 1518154). Invitae Evidence Modeling of protein sequence and biophysical properties (such as structural, functional, and spatial information, amino acid conservation, physicochemical variation, residue mobility, and thermodynamic stability) indicates that this missense variant is not expected to disrupt CRAT protein function with a negative predictive value of 80%. In summary, the available evidence is currently insufficient to determine the role of this variant in disease. Therefore, it has been classified as a Variant of Uncertain Significance.